The following is an entry in ClinVar:

ClinVar aggregate classification (germline): Uncertain significance (1 of 4 stars; one submission).

Allele frequency attached by ClinVar (database versions not stated): ExAC 0.00001; gnomAD exomes 0.00001; ESP Exome Variant Server 0.00008.
gnomAD v4.1: 19 of 1,608,204 alleles (0.0012%); highest among the groups gnomAD compares: Non-Finnish European, 0.0014%; no homozygotes.

Submission:

Women's Health and Genetics/Laboratory Corporation of America, LabCorp
Classification: Uncertain significance. Last evaluated: 2023-11-16. Review status: criteria provided, single submitter. Criteria: LabCorp Variant Classification Summary - May 2015. Collection method: clinical testing. Allele origin: germline.
Comment: Variant summary: ANO6 c.239G>A (p.Arg80Lys) results in a conservative amino acid change located in the Anoctamin, dimerisation domain (IPR032394) of the encoded protein sequence. Five of five in-silico tools predict a benign effect of the variant on protein function. The variant allele was found at a frequency of 4e-06 in 248456 control chromosomes. The available data on variant occurrences in the general population are insufficient to allow any conclusion about variant significance. To our knowledge, no occurrence of c.239G>A in individuals affected with Scott Syndrome and no experimental evidence demonstrating its impact on protein function have been reported. No submitters have cited clinical-significance assessments for this variant to ClinVar after 2014. Based on the evidence outlined above, the variant was classified as uncertain significance.

NM_001025356.3(ANO6):c.239G>A (p.Arg80Lys)

Gene: ANO6 (anoctamin 6; plus strand). Cytogenetic location: 12q12.
Variant type: single nucleotide variant.
Coding change: c.239G>A on transcript NM_001025356.3 (MANE Select); coding-DNA position 239, G replaced by A.
Protein change: p.Arg80Lys; replaces arginine 80 with lysine.
Molecular consequence: missense variant.
Genome position (GRCh38, 1-based): chr12:45,331,383, G>A. VCF-style: chr12-45331383-G-A. GRCh37 (hg19) VCF-style: chr12-45725166-G-A.
Other names: c.185G>A, p.Arg62Lys (NM_001142678.2); c.239G>A, p.Arg80Lys (NM_001142679.2); c.302G>A, p.Arg101Lys (NM_001204803.2); c.206G>A, p.Arg69Lys (NM_001410973.1); short protein forms R101K, R62K, R69K, R80K.
Identifiers: ClinVar variation 2682566 (VCV002682566.1), dbSNP rs369239470, ClinGen allele CA6524925.
Genomic context (GRCh38, chr12:45,331,383, plus strand): 5'-TCTTTTTTAATGATGGCCAGCGAAGAATTGACTTTGTTCTAGTATATGAGGATGAAAGCA[G>A]AAAAGAGACCAATAAAAAGGGTACAAATGAAAAACAAAGGGTAAGTTTTTATGCTATTTT-3'
Protein context (NP_001020527.2, residues 70-90): DFVLVYEDES[Arg80Lys]KETNKKGTNE